The following is an entry in ClinVar:

NM_005458.8(GABBR2):c.687C>T (p.Thr229=)

Genes: GABBR2 (gamma-aminobutyric acid type B receptor subunit 2; minus strand), LOC126860700 (CDK7 strongly-dependent group 2 enhancer GRCh37_chr9:101257622-101258821; plus strand). Cytogenetic location: 9q22.33.
Variant type: single nucleotide variant.
Coding change: c.687C>T on transcript NM_005458.8 (MANE Select); coding-DNA position 687, C replaced by T.
Protein change: p.Thr229=; no amino-acid change (threonine 229 retained).
Molecular consequence: synonymous variant.
Genome position (GRCh38, 1-based): chr9:98,496,458, G>A on the plus strand (C>T on the coding strand, the complement: GABBR2 is on the minus strand). VCF-style: chr9-98496458-G-A. GRCh37 (hg19) VCF-style: chr9-101258740-G-A.
Identifiers: ClinVar variation 872554 (VCV000872554.51), dbSNP rs149573430, ClinGen allele CA5152919.

ClinVar aggregate classification (germline): Likely benign. Review status: criteria provided, multiple submitters, no conflicts (2 of 4 stars). 4 submissions from 4 submitters: Likely benign (4). Last evaluated 2026-03-01.

Conditions:
Epileptic encephalopathy. Identifiers: MedGen C0543888, HP:0200134.

Allele frequency attached by ClinVar (database versions not stated): gnomAD 0.00009 and 0.00010; TOPMed 0.00013; 1000 Genomes Project 30x 0.00016; ExAC 0.00016; 1000 Genomes Project 0.00020; gnomAD exomes 0.00020; ESP Exome Variant Server 0.00023.

Submissions (4):

CeGaT Center for Human Genetics Tuebingen
Classification: Likely benign. Last evaluated: 2026-03-01. Review status: criteria provided, single submitter. Criteria: CeGaT Center For Human Genetics Tuebingen Variant Classification Criteria Version 2. Collection method: clinical testing. Allele origin: germline. Affected: yes. Observed: 3 variant alleles.
Comment: GABBR2: BP4, BP7

Labcorp Genetics (formerly Invitae), Labcorp
Classification: Likely benign for Epileptic encephalopathy. Last evaluated: 2025-03-27. Review status: criteria provided, single submitter. Criteria: Invitae Variant Classification Sherloc (09022015). Collection method: clinical testing. Allele origin: germline.

Blueprint Genetics
Classification: Likely benign. Last evaluated: 2024-11-26. Review status: criteria provided, single submitter. Criteria: ACMG Guidelines, 2015. Collection method: clinical testing. Allele origin: germline.

Breakthrough Genomics
Classification: Likely benign. Review status: criteria provided, single submitter. Criteria: ACMG Guidelines, 2015. Collection method: not provided. Allele origin: germline. Inheritance: Autosomal dominant inheritance. Affected: yes.